The following is an entry in ClinVar:

NM_000059.4(BRCA2):c.4735_4737dup (p.Ala1579dup)

Gene: BRCA2 (BRCA2 DNA repair associated; plus strand). Cytogenetic location: 13q13.1.
Variant type: Duplication.
Coding change: c.4735_4737dup on transcript NM_000059.4 (MANE Select); coding-DNA positions 4735 to 4737, 3 bases duplicated (GCA; older notation c.4735_4737dupGCA).
Protein change: p.Ala1579dup; duplicates alanine 1579.
Molecular consequence: inframe insertion.
Genome position (GRCh38, 1-based): chr13:32,339,090-32,339,092, GCA duplicated; duplicating any 3 consecutive bases within chr13:32,339,089-32,339,092 gives the same sequence; the c. name uses the placement nearest the transcript's 3' end. VCF-style (leftmost placement, unchanged base first): chr13-32339088-T-TAGC. GRCh37 (hg19) VCF-style: chr13-32913225-T-TAGC.
Identifiers: ClinVar variation 1471672 (VCV001471672.6), dbSNP rs2137509624, ClinGen allele CA2573149275.

ClinVar aggregate classification (germline): Uncertain significance (1 of 4 stars; one submission).

Conditions:
Hereditary breast ovarian cancer syndrome. Also called: BRCA1- and BRCA2-Associated Hereditary Breast and Ovarian Cancer; Hereditary breast and ovarian cancer; Hereditary breast and ovarian cancer syndrome; Hereditary breast and ovarian cancer syndrome (HBOC); Breast and ovarian cancer; Hereditary breast and/or ovarian cancer syndrome. Identifiers: Orphanet 145, MedGen C0677776, MeSH D061325, MONDO:0003582. Disease mechanism: loss of function.

Submission:

Labcorp Genetics (formerly Invitae), Labcorp
Classification: Uncertain significance for Hereditary breast ovarian cancer syndrome. Last evaluated: 2024-04-29. Review status: criteria provided, single submitter. Criteria: Invitae Variant Classification Sherloc (09022015). Collection method: clinical testing. Allele origin: germline.
Comment: This variant, c.4735_4737dup, results in the insertion of 1 amino acid(s) of the BRCA2 protein (p.Ala1579dup), but otherwise preserves the integrity of the reading frame. This variant is not present in population databases (gnomAD no frequency). This variant has not been reported in the literature in individuals affected with BRCA2-related conditions. ClinVar contains an entry for this variant (Variation ID: 1471672). Experimental studies and prediction algorithms are not available or were not evaluated, and the functional significance of this variant is currently unknown. In summary, the available evidence is currently insufficient to determine the role of this variant in disease. Therefore, it has been classified as a Variant of Uncertain Significance.